The following is an entry in ClinVar:

ClinVar aggregate classification (germline): Conflicting classifications of pathogenicity. Review status: criteria provided, conflicting classifications (1 of 4 stars). 2 submissions from 2 submitters: Uncertain significance (1); Likely benign (1). Last evaluated 2024-02-21.

Conditions:
Hereditary cancer-predisposing syndrome. Also called: Hereditary Cancer Syndrome; Neoplastic Syndromes, Hereditary; Tumor predisposition; Hereditary neoplastic syndrome. Identifiers: Orphanet 140162, MedGen C0027672, MeSH D009386, MONDO:0015356.
Fanconi anemia complementation group O. Also called: RAD51C-Related Fanconi Anemia. Identifiers: Orphanet 84, MedGen C3150653, MONDO:0013248, OMIM 613390.

Submissions (2):

Ambry Genetics
Classification: Likely benign for Hereditary cancer-predisposing syndrome. Last evaluated: 2024-02-21. Review status: criteria provided, single submitter. Criteria: Ambry Variant Classification Scheme 2023. Collection method: clinical testing. Allele origin: germline.

Labcorp Genetics (formerly Invitae), Labcorp
Classification: Uncertain significance for Fanconi anemia complementation group O. Last evaluated: 2023-03-01. Review status: criteria provided, single submitter. Criteria: Invitae Variant Classification Sherloc (09022015). Collection method: clinical testing. Allele origin: germline.
Comment: ClinVar contains an entry for this variant (Variation ID: 187712). This sequence change replaces serine, which is neutral and polar, with cysteine, which is neutral and slightly polar, at codon 20 of the RAD51C protein (p.Ser20Cys). This variant is not present in population databases (gnomAD no frequency). This variant has not been reported in the literature in individuals affected with RAD51C-related conditions. Advanced modeling of protein sequence and biophysical properties (such as structural, functional, and spatial information, amino acid conservation, physicochemical variation, residue mobility, and thermodynamic stability) performed at Invitae indicates that this missense variant is not expected to disrupt RAD51C protein function. In summary, the available evidence is currently insufficient to determine the role of this variant in disease. Therefore, it has been classified as a Variant of Uncertain Significance.

NM_058216.3(RAD51C):c.59C>G (p.Ser20Cys)

Gene: RAD51C (RAD51 paralog C; plus strand). Cytogenetic location: 17q22.
Variant type: single nucleotide variant.
Coding change: c.59C>G on transcript NM_058216.3 (MANE Select); coding-DNA position 59, C replaced by G.
Protein change: p.Ser20Cys; replaces serine 20 with cysteine.
Molecular consequence: missense variant. On other transcripts: non-coding transcript variant (1).
Genome position (GRCh38, 1-based): chr17:58,692,702, C>G. VCF-style: chr17-58692702-C-G. GRCh37 (hg19) VCF-style: chr17-56770063-C-G.
Other names: c.59C>G, p.Ser20Cys (NM_002876.4); short protein forms S20C.
Identifiers: ClinVar variation 187712 (VCV000187712.12), dbSNP rs786203944, ClinGen allele CA198382.